The following is an entry in ClinVar:

NM_000178.4(GSS):c.1020dup (p.Leu341fs)

Gene: GSS (glutathione synthetase; minus strand). Cytogenetic location: 20q11.22.
Variant type: Duplication.
Coding change: c.1020dup on transcript NM_000178.4 (MANE Select); coding-DNA position 1020, one base duplicated (A; older notation c.1020dupA).
Protein change: p.Leu341fs; shifts the reading frame from leucine 341.
Molecular consequence: frameshift variant.
Genome position (GRCh38, 1-based): chr20:34,931,948, T duplicated on the plus strand (A on the coding strand, the reverse complement: GSS is on the minus strand). VCF-style (leftmost placement, unchanged base first): chr20-34931947-G-GT. GRCh37 (hg19) VCF-style: chr20-33519750-G-GT.
Other names: c.1020dup, p.Leu341fs (NM_001322494.1, NM_001322495.1); short protein forms L341fs.
Identifiers: ClinVar variation 3014333 (VCV003014333.3), dbSNP rs751797884, ClinGen allele CA9825906.

ClinVar aggregate classification (germline): Pathogenic (1 of 4 stars; one submission).

Conditions:
Glutathione synthetase deficiency with 5-oxoprolinuria. Also called: 5-OXOPROLINURIA DUE TO GLUTATHIONE SYNTHETASE DEFICIENCY; PYROGLUTAMIC ACIDURIA; 5-Oxoprolinuria; Reduced glutathione synthetase level; Gluthathione synthetase deficiency. Identifiers: Orphanet 289846, MedGen C0398746, MONDO:0009947, OMIM 266130, HP:0003343.

Allele frequency attached by ClinVar (database versions not stated): gnomAD exomes 0.00001; ExAC 0.00003.

Submission:

Labcorp Genetics (formerly Invitae), Labcorp
Classification: Pathogenic for Glutathione synthetase deficiency with 5-oxoprolinuria. Last evaluated: 2024-10-29. Review status: criteria provided, single submitter. Criteria: Invitae Variant Classification Sherloc (09022015). Collection method: clinical testing. Allele origin: germline.
Comment: This sequence change creates a premature translational stop signal (p.Leu341Thrfs*5) in the GSS gene. It is expected to result in an absent or disrupted protein product. Loss-of-function variants in GSS are known to be pathogenic (PMID: 12638941, 15717202). This variant is present in population databases (rs751797884, gnomAD 0.02%). This variant has not been reported in the literature in individuals affected with GSS-related conditions. For these reasons, this variant has been classified as Pathogenic.

Literature cited by the submitters: PubMed 12638941; PubMed 15717202.